The following is an entry in ClinVar:

ClinVar aggregate classification (germline): Conflicting classifications of pathogenicity. Review status: criteria provided, conflicting classifications (1 of 4 stars). 3 submissions from 3 submitters: Uncertain significance (2); Likely benign (1). Last evaluated 2026-05-28.

Conditions:
Inborn genetic diseases. Identifiers: MedGen C0950123, MeSH D030342.

Allele frequency attached by ClinVar (database versions not stated): gnomAD 0.00007; 1000 Genomes Project 30x 0.00016; gnomAD exomes 0.00002; ExAC 0.00003; 1000 Genomes Project 0.00020.
gnomAD v4.1: 41 of 1,614,082 alleles (0.0025%); highest among the groups gnomAD compares: African/African-American, 0.008%; no homozygotes.

Submissions (3):

Women's Health and Genetics/Laboratory Corporation of America, LabCorp
Classification: Likely benign. Last evaluated: 2026-05-28. Review status: criteria provided, single submitter. Criteria: LabCorp Variant Classification Summary - May 2015. Collection method: clinical testing. Allele origin: germline.
Comment: Variant summary: POLR1A c.1949G>A (p.Arg650Gln) results in a conservative amino acid change located in the Largest subunit (RPA1) of eukaryotic RNA polymerase I (RNAP I), N-terminal domain (IPR015699) of the encoded protein sequence. Algorithms developed to predict the effect of missense changes on protein structure and function are either unavailable or do not agree on the potential impact of this missense change. The variant allele was found at a frequency of 2.5e-05 in 1614082 control chromosomes. The observed variant frequency exceeds the estimated maximal expected allele frequency for disease-causing variants in POLR1A. To our knowledge, no occurrence of c.1949G>A in individuals affected with POLR1A-related conditions and no experimental evidence demonstrating its impact on protein function have been reported. ClinVar contains an entry for this variant (Variation ID: 2073504). Based on the evidence outlined above, the variant was classified as likely benign.

Ambry Genetics
Classification: Uncertain significance for Inborn genetic diseases. Last evaluated: 2022-11-08. Review status: criteria provided, single submitter. Criteria: Ambry Variant Classification Scheme 2023. Collection method: clinical testing. Allele origin: germline.

Labcorp Genetics (formerly Invitae), Labcorp
Classification: Uncertain significance. Last evaluated: 2022-08-09. Review status: criteria provided, single submitter. Criteria: Invitae Variant Classification Sherloc (09022015). Collection method: clinical testing. Allele origin: germline.
Comment: This variant is present in population databases (rs552444742, gnomAD 0.02%). In summary, the available evidence is currently insufficient to determine the role of this variant in disease. Therefore, it has been classified as a Variant of Uncertain Significance. Algorithms developed to predict the effect of missense changes on protein structure and function are either unavailable or do not agree on the potential impact of this missense change (SIFT: "Not Available"; PolyPhen-2: "Probably Damaging"; Align-GVGD: "Not Available"). This variant has not been reported in the literature in individuals affected with POLR1A-related conditions. This sequence change replaces arginine, which is basic and polar, with glutamine, which is neutral and polar, at codon 650 of the POLR1A protein (p.Arg650Gln).

NM_015425.6(POLR1A):c.1949G>A (p.Arg650Gln)

Gene: POLR1A (RNA polymerase I subunit A; minus strand). Cytogenetic location: 2p11.2.
Variant type: single nucleotide variant.
Coding change: c.1949G>A on transcript NM_015425.6 (MANE Select); coding-DNA position 1949, G replaced by A.
Protein change: p.Arg650Gln; replaces arginine 650 with glutamine.
Molecular consequence: missense variant.
Genome position (GRCh38, 1-based): chr2:86,065,383, C>T on the plus strand (G>A on the coding strand, the complement: POLR1A is on the minus strand). VCF-style: chr2-86065383-C-T. GRCh37 (hg19) VCF-style: chr2-86292506-C-T.
Other names: short protein forms R650Q.
Identifiers: ClinVar variation 2073504 (VCV002073504.8), dbSNP rs552444742, ClinGen allele CA1746209.